The following is an entry in ClinVar:

ClinVar aggregate classification (germline): Conflicting classifications of pathogenicity. Review status: criteria provided, conflicting classifications (1 of 4 stars). 2 submissions from 2 submitters: Uncertain significance (1); Likely benign (1). Last evaluated 2025-07-04.

Conditions:
Hereditary cancer-predisposing syndrome. Also called: Tumor predisposition; Neoplastic Syndromes, Hereditary; Hereditary Cancer Syndrome; Hereditary neoplastic syndrome. Identifiers: Orphanet 140162, MedGen C0027672, MeSH D009386, MONDO:0015356.
Von Hippel-Lindau syndrome (VHLS). Also called: Von Hippel-Lindau; von Hippel–Lindau syndrome; VHL syndrome. Identifiers: Orphanet 892, MedGen C0019562, MONDO:0008667, OMIM 193300. Disease mechanism: loss of function.
Chuvash polycythemia. Also called: POLYCYTHEMIA, VHL-DEPENDENT. Identifiers: Orphanet 238557, MedGen C1837915, MONDO:0009892, OMIM 263400.

Submissions (2):

Labcorp Genetics (formerly Invitae), Labcorp
Classification: Uncertain significance for Von Hippel-Lindau syndrome; Chuvash polycythemia. Last evaluated: 2025-07-04. Review status: criteria provided, single submitter. Criteria: Invitae Variant Classification Sherloc (09022015). Collection method: clinical testing. Allele origin: germline.
Comment: This sequence change replaces threonine, which is neutral and polar, with asparagine, which is neutral and polar, at codon 133 of the VHL protein (p.Thr133Asn). This variant is not present in population databases (gnomAD no frequency). This variant has not been reported in the literature in individuals affected with VHL-related conditions. Invitae Evidence Modeling of protein sequence and biophysical properties (such as structural, functional, and spatial information, amino acid conservation, physicochemical variation, residue mobility, and thermodynamic stability) indicates that this missense variant is expected to disrupt VHL protein function with a positive predictive value of 95%. In summary, the available evidence is currently insufficient to determine the role of this variant in disease. Therefore, it has been classified as a Variant of Uncertain Significance.

Ambry Genetics
Classification: Likely benign for Hereditary cancer-predisposing syndrome. Last evaluated: 2025-05-08. Review status: criteria provided, single submitter. Criteria: Ambry Variant Classification Scheme 2023. Collection method: clinical testing. Allele origin: germline.

NM_000551.4(VHL):c.398C>A (p.Thr133Asn)

Genes: VHL (von Hippel-Lindau tumor suppressor; plus strand), LOC107303340 (3p25 von Hippel-Lindau tumor suppressor, E3 ubiquitin protein ligase Alu-mediated recombination region; plus strand). Cytogenetic location: 3p25.3.
Variant type: single nucleotide variant.
Coding change: c.398C>A on transcript NM_000551.4 (MANE Select); coding-DNA position 398, C replaced by A.
Protein change: p.Thr133Asn; replaces threonine 133 with asparagine.
Molecular consequence: missense variant. On other transcripts: non-coding transcript variant (1), intron variant (2).
Genome position (GRCh38, 1-based): chr3:10,146,571, C>A. VCF-style: chr3-10146571-C-A. GRCh37 (hg19) VCF-style: chr3-10188255-C-A.
Other names: c.*18-3216C>A (NM_001354723.2); c.341-3216C>A (NM_198156.3); short protein forms T133N.
Identifiers: ClinVar variation 3979715 (VCV003979715.2).